The following is an entry in ClinVar:

ClinVar aggregate classification (germline): Uncertain significance (1 of 4 stars; one submission).

Conditions:
Hereditary cancer-predisposing syndrome. Also called: Neoplastic Syndromes, Hereditary; Tumor predisposition; Hereditary Cancer Syndrome; Hereditary neoplastic syndrome. Identifiers: Orphanet 140162, MedGen C0027672, MeSH D009386, MONDO:0015356.

Submission:

Ambry Genetics
Classification: Uncertain significance for Hereditary cancer-predisposing syndrome. Last evaluated: 2022-10-18. Review status: criteria provided, single submitter. Criteria: Ambry Variant Classification Scheme 2023. Collection method: clinical testing. Allele origin: germline.
Comment: The c.3471G>T variant (also known as p.A1157A), located in coding exon 21 of the PTCH1 gene, results from a G to T substitution at nucleotide position 3471. This nucleotide substitution does not change the alanine at codon 1157. This nucleotide position is poorly conserved in available vertebrate species. In silico splice site analysis for this alteration is inconclusive. Since supporting evidence is limited at this time, the clinical significance of this alteration remains unclear.

NM_000264.5(PTCH1):c.3471G>T (p.Ala1157=)

Gene: PTCH1 (patched 1; minus strand). Cytogenetic location: 9q22.32.
Variant type: single nucleotide variant.
Coding change: c.3471G>T on transcript NM_000264.5 (MANE Select); coding-DNA position 3471, G replaced by T.
Protein change: p.Ala1157=; no amino-acid change (alanine 1157 retained).
Molecular consequence: synonymous variant. On other transcripts: non-coding transcript variant (1).
Genome position (GRCh38, 1-based): chr9:95,449,919, C>A on the plus strand (G>T on the coding strand, the complement: PTCH1 is on the minus strand). VCF-style: chr9-95449919-C-A. GRCh37 (hg19) VCF-style: chr9-98212201-C-A.
Other names: c.3273G>T, p.Ala1091= (NM_001083602.3); c.3468G>T, p.Ala1156= (NM_001083603.3); c.3018G>T, p.Ala1006= (NM_001083604.3, NM_001083605.3, NM_001083606.3 and 1 more transcripts); c.3315G>T, p.Ala1105= (NM_001354918.2).
Identifiers: ClinVar variation 1731742 (VCV001731742.2), dbSNP rs950019214, ClinGen allele CA466106531.
Genomic context (GRCh38, chr9:95,449,919, plus strand): 5'-GAAAGACAAAAGCACGGGAAGCAAAACCAGCCCATTGAGAACGCCGAGGATGGTGAGGAT[C>A]GCCAGCACAGCAAAGAAATACCTGGGAGATCAAGAGGAAACGGGAACACGCGCTGTGACA-3'
Protein context (NP_000255.2, residues 1147-1167): FIVRYFFAVL[Ala1157=]ILTILGVLNG